The following is an entry in ClinVar:

NM_020759.3(STARD9):c.6247G>A (p.Glu2083Lys)

Gene: STARD9 (StAR related lipid transfer domain containing 9; plus strand). Cytogenetic location: 15q15.2.
Variant type: single nucleotide variant.
Coding change: c.6247G>A on transcript NM_020759.3 (MANE Select); coding-DNA position 6247, G replaced by A.
Protein change: p.Glu2083Lys; replaces glutamic acid 2083 with lysine.
Molecular consequence: missense variant.
Genome position (GRCh38, 1-based): chr15:42,687,825, G>A. VCF-style: chr15-42687825-G-A. GRCh37 (hg19) VCF-style: chr15-42980023-G-A.
Other names: short protein forms E2083K.
Identifiers: ClinVar variation 3055296 (VCV003055296.2), dbSNP rs116745790, ClinGen allele CA7514440.

ClinVar aggregate classification (germline): Benign (0 of 4 stars; one submission).

Conditions:
STARD9-related disorder. Also called: STARD9-related condition.

Allele frequency attached by ClinVar (database versions not stated): ExAC 0.02332; gnomAD 0.02917; TOPMed 0.03114; ESP Exome Variant Server 0.03133; 1000 Genomes Project 0.04433; 1000 Genomes Project 30x 0.04622.
gnomAD v4.1: 13,609 of 1,537,394 alleles (0.89%); highest among the groups gnomAD compares: African/African-American, 8.9%; 403 homozygotes.

Submission:

PreventionGenetics, part of Exact Sciences
Classification: Benign for STARD9-related condition. Last evaluated: 2022-01-31. Review status: no assertion criteria provided. Collection method: clinical testing. Allele origin: germline.
Comment: This variant is classified as benign based on ACMG/AMP sequence variant interpretation guidelines (Richards et al. 2015 PMID: 25741868, with internal and published modifications).